The following is an entry in ClinVar:

NM_000075.4(CDK4):c.11C>T (p.Ser4Phe)

Gene: CDK4 (cyclin dependent kinase 4; minus strand). Cytogenetic location: 12q14.1.
Variant type: single nucleotide variant.
Coding change: c.11C>T on transcript NM_000075.4 (MANE Select); coding-DNA position 11, C replaced by T.
Protein change: p.Ser4Phe; replaces serine 4 with phenylalanine.
Molecular consequence: missense variant.
Genome position (GRCh38, 1-based): chr12:57,751,707, G>A on the plus strand (C>T on the coding strand, the complement: CDK4 is on the minus strand). VCF-style: chr12-57751707-G-A. GRCh37 (hg19) VCF-style: chr12-58145490-G-A.
Other names: short protein forms S4F.
Identifiers: ClinVar variation 1747103 (VCV001747103.6), dbSNP rs1227101024, ClinGen allele CA385549321.

ClinVar aggregate classification (germline): Uncertain significance. Review status: criteria provided, multiple submitters, no conflicts (2 of 4 stars). 2 submissions from 2 submitters: Uncertain significance (2). Last evaluated 2025-09-02.

Conditions:
Familial melanoma. Also called: Hereditary melanoma; Hereditary cutaneous melanoma. Identifiers: Orphanet 618, MedGen C1512419, MONDO:0018961.
Hereditary cancer-predisposing syndrome. Also called: Hereditary Cancer Syndrome; Neoplastic Syndromes, Hereditary; Tumor predisposition; Hereditary neoplastic syndrome. Identifiers: Orphanet 140162, MedGen C0027672, MeSH D009386, MONDO:0015356.

gnomAD v4.1: 4 of 1,614,138 alleles (0.00025%); highest among the groups gnomAD compares: Non-Finnish European, 0.00034%; no homozygotes.

Submissions (2):

Ambry Genetics
Classification: Uncertain significance for Hereditary cancer-predisposing syndrome. Last evaluated: 2025-09-02. Review status: criteria provided, single submitter. Criteria: Ambry Variant Classification Scheme 2023. Collection method: clinical testing. Allele origin: germline.
Comment: The p.S4F variant (also known as c.11C>T), located in coding exon 1 of the CDK4 gene, results from a C to T substitution at nucleotide position 11. The serine at codon 4 is replaced by phenylalanine, an amino acid with highly dissimilar properties. This amino acid position is conserved. In addition, this alteration is predicted to be tolerated by in silico analysis. Since supporting evidence is limited at this time, the clinical significance of this alteration remains unclear.

Labcorp Genetics (formerly Invitae), Labcorp
Classification: Uncertain significance for Familial melanoma. Last evaluated: 2023-04-26. Review status: criteria provided, single submitter. Criteria: Invitae Variant Classification Sherloc (09022015). Collection method: clinical testing. Allele origin: germline.
Comment: In summary, the available evidence is currently insufficient to determine the role of this variant in disease. Therefore, it has been classified as a Variant of Uncertain Significance. This sequence change replaces serine, which is neutral and polar, with phenylalanine, which is neutral and non-polar, at codon 4 of the CDK4 protein (p.Ser4Phe). This variant is present in population databases (no rsID available, gnomAD 0.0009%). This variant has not been reported in the literature in individuals affected with CDK4-related conditions. ClinVar contains an entry for this variant (Variation ID: 1747103). An algorithm developed to predict the effect of missense changes on protein structure and function (PolyPhen-2) suggests that this variant is likely to be tolerated.